The following is an entry in ClinVar:

ClinVar aggregate classification (germline): Uncertain significance. Review status: criteria provided, multiple submitters, no conflicts (2 of 4 stars). 3 submissions from 3 submitters: Uncertain significance (2). 1 of the submissions does not count toward it. Last evaluated 2025-05-27.

Conditions:
Severe combined immunodeficiency, autosomal recessive, T cell-negative, B cell-negative, NK cell-positive. Also called: SCID, T CELL-NEGATIVE, B CELL-NEGATIVE, NK CELL-POSITIVE; SCID, AR, T-cell negative, B-cell negative, NK cell-positive; Severe combined immunodeficiency due to complete RAG1/2 deficiency. Identifiers: Orphanet 331206, MedGen C1832322, MONDO:0011086, OMIM 601457.
Histiocytic medullary reticulosis. Also called: Omenn syndrome; SEVERE COMBINED IMMUNODEFICIENCY WITH HYPEREOSINOPHILIA. Identifiers: Orphanet 39041, MedGen C2700553, MONDO:0011338, OMIM 603554.
Combined immunodeficiency with skin granulomas. Identifiers: Orphanet 157949, MedGen C2673536, MONDO:0009306, OMIM 233650.

Submissions (3):

Labcorp Genetics (formerly Invitae), Labcorp
Classification: Uncertain significance for Combined immunodeficiency with skin granulomas; Severe combined immunodeficiency, autosomal recessive, T cell-negative, B cell-negative, NK cell-positive. Last evaluated: 2025-05-27. Review status: criteria provided, single submitter. Criteria: Invitae Variant Classification Sherloc (09022015). Collection method: clinical testing. Allele origin: germline.
Comment: This variant, c.1191_1193del, results in the deletion of 1 amino acid(s) of the RAG2 protein (p.Asp397del), but otherwise preserves the integrity of the reading frame. This variant is present in population databases (rs567942993, gnomAD 0.05%). This variant has not been reported in the literature in individuals affected with RAG2-related conditions. ClinVar contains an entry for this variant (Variation ID: 571800). Experimental studies and prediction algorithms are not available or were not evaluated, and the functional significance of this variant is currently unknown. In summary, the available evidence is currently insufficient to determine the role of this variant in disease. Therefore, it has been classified as a Variant of Uncertain Significance.

Genomic Medicine Center of Excellence, King Faisal Specialist Hospital and Research Centre
Classification: Uncertain significance for Severe combined immunodeficiency, autosomal recessive, T cell-negative, B cell-negative, NK cell-positive. Last evaluated: 2024-03-29. Review status: criteria provided, single submitter. Criteria: ACMG Guidelines, 2015. Collection method: clinical testing. Allele origin: germline.

Natera, Inc.
Classification: Uncertain significance for Omenn syndrome. Last evaluated: 2020-04-13. Review status: no assertion criteria provided. Collection method: clinical testing. Allele origin: germline. Not counted in ClinVar's aggregate classification.

NM_000536.4(RAG2):c.1185TGA[2] (p.Asp397del)

Gene: RAG2 (recombination activating 2; minus strand). Cytogenetic location: 11p12.
Variant type: Microsatellite.
Coding change: c.1185TGA[2] on transcript NM_000536.4 (MANE Select); two copies in a row of the 3-base unit TGA starting at c.1185; the reference has three copies in a row; one copy, 3 bases deleted; also written c.1191_1193del.
Protein change: p.Asp397del; deletes aspartic acid 397.
Molecular consequence: inframe deletion.
Genome position (GRCh38, 1-based): chr11:36,592,976-36,592,978, TCA deleted on the plus strand (TGA on the coding strand, the reverse complement: RAG2 is on the minus strand); deleting any 3 consecutive bases within chr11:36,592,976-36,592,984 gives the same sequence; the position shown is the placement nearest the transcript's 3' end. VCF-style (leftmost placement, unchanged base first): chr11-36592975-TTCA-T. GRCh37 (hg19) VCF-style: chr11-36614525-TTCA-T.
Other names: c.1185TGA[2], p.Asp397del (NM_001243785.2, NM_001243786.2); c.1191_1193del (NM_000536.3, NM_001243786.1); c.1191_1193delTGA (NM_000536.4); short protein forms D397del.
Identifiers: ClinVar variation 571800 (VCV000571800.6), dbSNP rs567942993, ClinGen allele CA5950453.